The following is an entry in ClinVar:

ClinVar aggregate classification (germline): Likely benign. Review status: criteria provided, multiple submitters, no conflicts (2 of 4 stars). 3 submissions from 3 submitters: Likely benign (3). Last evaluated 2026-01-14.

Conditions:
Hereditary cancer-predisposing syndrome. Also called: Hereditary Cancer Syndrome; Neoplastic Syndromes, Hereditary; Tumor predisposition; Hereditary neoplastic syndrome. Identifiers: Orphanet 140162, MedGen C0027672, MeSH D009386, MONDO:0015356.
BAP1-related tumor predisposition syndrome (TPDS1). Also called: Tumor susceptibility linked to germline BAP1 mutations; BAP1 tumor predisposition syndrome; COMMON Syndrome; TUMOR PREDISPOSITION SYNDROME 1. Identifiers: Orphanet 289539, MedGen C3280492, MONDO:0013692, OMIM 614327.

Allele frequency attached by ClinVar (database versions not stated): gnomAD 0.00001.
gnomAD v4.1: 1 of 1,609,666 alleles (0.000062%); highest among the groups gnomAD compares: African/African-American, 0.0013%; no homozygotes.

Submissions (3):

Labcorp Genetics (formerly Invitae), Labcorp
Classification: Likely benign for BAP1-related tumor predisposition syndrome. Last evaluated: 2026-01-14. Review status: criteria provided, single submitter. Criteria: Invitae Variant Classification Sherloc (09022015). Collection method: clinical testing. Allele origin: germline.

Myriad Genetics, Inc.
Classification: Likely benign for BAP1-related tumor predisposition syndrome. Last evaluated: 2024-07-15. Review status: criteria provided, single submitter. Criteria: Myriad Autosomal Dominant, Autosomal Recessive and X-Linked Classification Criteria (2023). Collection method: clinical testing. Allele origin: unknown.
Comment: This variant is considered likely benign. This variant is intronic and is not expected to impact mRNA splicing.

Color Diagnostics, LLC DBA Color Health
Classification: Likely benign for Hereditary cancer-predisposing syndrome. Last evaluated: 2017-09-17. Review status: criteria provided, single submitter. Criteria: ACMG Guidelines, 2015. Collection method: clinical testing. Allele origin: germline.

NM_004656.4(BAP1):c.1117-19G>T

Gene: BAP1 (BRCA1 associated deubiquitinase 1; minus strand). Cytogenetic location: 3p21.1.
Variant type: single nucleotide variant.
Coding change: c.1117-19G>T on transcript NM_004656.4 (MANE Select); 19 bases into the intron before coding-DNA position 1117, G replaced by T.
Molecular consequence: intron variant.
Genome position (GRCh38, 1-based): chr3:52,404,605, C>A on the plus strand (G>T on the coding strand, the complement: BAP1 is on the minus strand). VCF-style: chr3-52404605-C-A. GRCh37 (hg19) VCF-style: chr3-52438621-C-A.
Identifiers: ClinVar variation 490771 (VCV000490771.9), dbSNP rs1377217946, ClinGen allele CA542897879.
Genomic context (GRCh38, chr3:52,404,605, plus strand): 5'-AACTCGGCTGCGGCCCACACCTGCCGCCAGGTCTTCTTCCTCCTGGGACAAAGACCAGGG[C>A]AGTTACAAACAAGTGCTGCTCGGCCCAGGCTGAGCCTAGACACTCACAGCCAGAGAGAAA-3'